The following is an entry in ClinVar:

NM_001110556.2(FLNA):c.6013G>A (p.Gly2005Ser)

Gene: FLNA (filamin A; minus strand). Cytogenetic location: Xq28.
Variant type: single nucleotide variant.
Coding change: c.6013G>A on transcript NM_001110556.2 (MANE Select); coding-DNA position 6013, G replaced by A.
Protein change: p.Gly2005Ser; replaces glycine 2005 with serine.
Molecular consequence: missense variant.
Genome position (GRCh38, 1-based): chrX:154,353,305, C>T on the plus strand (G>A on the coding strand, the complement: FLNA is on the minus strand). VCF-style: chrX-154353305-C-T. GRCh37 (hg19) VCF-style: chrX-153581673-C-T.
Other names: c.5989G>A, p.Gly1997Ser (NM_001456.4); short protein forms G1997S, G2005S.
Identifiers: ClinVar variation 4975809 (VCV004975809.1).

ClinVar aggregate classification (germline): Uncertain significance (1 of 4 stars; one submission).

Submission:

GeneDx
Classification: Uncertain significance. Last evaluated: 2026-02-02. Review status: criteria provided, single submitter. Criteria: GeneDx Variant Classification Process June 2021. Collection method: clinical testing. Allele origin: germline.
Comment: Not observed at significant frequency in large population cohorts (gnomAD); In silico analysis supports that this missense variant has a deleterious effect on protein structure/function; Has not been previously published as pathogenic or benign to our knowledge